The following is an entry in ClinVar:

ClinVar aggregate classification (germline): Uncertain significance. Review status: criteria provided, multiple submitters, no conflicts (2 of 4 stars). 2 submissions from 2 submitters: Uncertain significance (2). Last evaluated 2026-06-29.

Conditions:
Ehlers-Danlos syndrome, kyphoscoliotic type, 2. Also called: FKBP14-Kyphoscoliotic Ehlers-Danlos Syndrome; Ehlers-Danlos syndrome with progressive kyphoscoliosis, myopathy, and hearing loss; Ehlers-Danlos syndrome, kyphoscoliotic and deafness type. Identifiers: Orphanet 300179, MedGen C3281160, MONDO:0013800, OMIM 614557.

Allele frequency attached by ClinVar (database versions not stated): gnomAD exomes below 0.00001.
gnomAD v4.1: 1 of 1,614,082 alleles (0.000062%); highest among the groups gnomAD compares: Non-Finnish European, 0.000085%; no homozygotes.

Submissions (2):

Women's Health and Genetics/Laboratory Corporation of America, LabCorp
Classification: Uncertain significance. Last evaluated: 2026-06-29. Review status: criteria provided, single submitter. Criteria: LabCorp Variant Classification Summary - May 2015. Collection method: clinical testing. Allele origin: germline.

Labcorp Genetics (formerly Invitae), Labcorp
Classification: Uncertain significance for Ehlers-Danlos syndrome, kyphoscoliotic type, 2. Last evaluated: 2022-02-08. Review status: criteria provided, single submitter. Criteria: Invitae Variant Classification Sherloc (09022015). Collection method: clinical testing. Allele origin: germline.
Comment: In summary, the available evidence is currently insufficient to determine the role of this variant in disease. Therefore, it has been classified as a Variant of Uncertain Significance. Algorithms developed to predict the effect of missense changes on protein structure and function are either unavailable or do not agree on the potential impact of this missense change (SIFT: "Deleterious"; PolyPhen-2: "Probably Damaging"; Align-GVGD: "Class C0"). This variant has not been reported in the literature in individuals affected with FKBP14-related conditions. This variant is not present in population databases (gnomAD no frequency). This sequence change replaces leucine, which is neutral and non-polar, with phenylalanine, which is neutral and non-polar, at codon 103 of the FKBP14 protein (p.Leu103Phe).

NM_017946.4(FKBP14):c.307C>T (p.Leu103Phe)

Genes: FKBP14 (FKBP prolyl isomerase 14; minus strand), FKBP14-AS1 (FKBP14 antisense RNA 1; plus strand). Cytogenetic location: 7p14.3.
Variant type: single nucleotide variant.
Coding change: c.307C>T on transcript NM_017946.4 (MANE Select); coding-DNA position 307, C replaced by T.
Protein change: p.Leu103Phe; replaces leucine 103 with phenylalanine.
Molecular consequence: missense variant. On other transcripts: non-coding transcript variant (1).
Genome position (GRCh38, 1-based): chr7:30,022,707, G>A on the plus strand (C>T on the coding strand, the complement: FKBP14 is on the minus strand). VCF-style: chr7-30022707-G-A. GRCh37 (hg19) VCF-style: chr7-30062323-G-A.
Other names: short protein forms L103F.
Identifiers: ClinVar variation 2143826 (VCV002143826.3), dbSNP rs2483522271, ClinGen allele CA367117345.